The following is an entry in ClinVar:

NM_000447.3(PSEN2):c.-21+2dup

Gene: PSEN2 (presenilin 2; plus strand). Cytogenetic location: 1q42.13.
Variant type: Duplication.
Coding change: c.-21+2dup on transcript NM_000447.3 (MANE Select); the canonical splice donor site of the intron after 21 bases upstream of the start codon, one base duplicated (T; older notation c.-21+2dupT).
Molecular consequence: splice donor variant.
Genome position (GRCh38, 1-based): chr1:226,875,552, T duplicated. VCF-style (leftmost placement, unchanged base first): chr1-226875551-G-GT. GRCh37 (hg19) VCF-style: chr1-227063252-G-GT.
Other names: c.-21+2dup (NM_012486.3, NM_001437537.1).
Identifiers: ClinVar variation 4812907 (VCV004812907.1).

ClinVar aggregate classification (germline): Uncertain significance (1 of 4 stars; one submission).

Submission:

GeneDx
Classification: Uncertain significance. Last evaluated: 2025-08-26. Review status: criteria provided, single submitter. Criteria: GeneDx Variant Classification Process June 2021. Collection method: clinical testing. Allele origin: germline. Affected: yes.
Comment: In silico analysis supports a deleterious effect on splicing; Has not been previously published as pathogenic or benign to our knowledge; No data available from control populations to assess the frequency of this variant; Located in a regulatory region; in the absence of functional studies, the actual effect of this sequence change is unknown